The following is an entry in ClinVar:

ClinVar aggregate classification (germline): Uncertain significance. Review status: criteria provided, multiple submitters, no conflicts (2 of 4 stars). 2 submissions from 2 submitters: Uncertain significance (2). Last evaluated 2025-11-24.

Conditions:
Cardiovascular phenotype. Identifiers: MedGen CN230736.

Allele frequency attached by ClinVar (database versions not stated): gnomAD exomes below 0.00001.
gnomAD v4.1: 3 of 1,614,114 alleles (0.00019%); highest among the groups gnomAD compares: Non-Finnish European, 0.00025%; no homozygotes.

Submissions (2):

Ambry Genetics
Classification: Uncertain significance for Cardiovascular phenotype. Last evaluated: 2025-11-24. Review status: criteria provided, single submitter. Criteria: Ambry Variant Classification Scheme 2023. Collection method: clinical testing. Allele origin: germline.

GeneDx
Classification: Uncertain significance. Last evaluated: 2023-01-12. Review status: criteria provided, single submitter. Criteria: GeneDx Variant Classification Process June 2021. Collection method: clinical testing. Allele origin: germline. Affected: yes.
Comment: Not observed at significant frequency in large population cohorts (gnomAD); In silico analysis supports that this missense variant does not alter protein structure/function; Has not been previously published as pathogenic or benign to our knowledge; Located in exon 38, which is reported as being expressed in a brain-specific transcript (Otto et al, 1991; Cunha et al, 2008; Wu et al, 2015); This variant is associated with the following publications: (PMID: 1830053, 18790697, 26109584)

NM_001148.6(ANK2):c.7909C>T (p.Pro2637Ser)

Genes: ANK2 (ankyrin 2; plus strand), LOC126807137 (CDK7 strongly-dependent group 2 enhancer GRCh37_chr4:114276560-114277759; plus strand). Cytogenetic location: 4q26.
Variant type: single nucleotide variant.
Coding change: c.7909C>T on transcript NM_001148.6 (MANE Select); coding-DNA position 7909, C replaced by T.
Protein change: p.Pro2637Ser; replaces proline 2637 with serine.
Molecular consequence: missense variant. On other transcripts: intron variant (68).
Genome position (GRCh38, 1-based): chr4:113,356,527, C>T. VCF-style: chr4-113356527-C-T. GRCh37 (hg19) VCF-style: chr4-114277683-C-T.
Other names: c.7675C>T, p.Pro2559Ser (NM_001386142.1); c.4309C>T, p.Pro1437Ser (NM_001386166.1); c.8050C>T, p.Pro2684Ser (NM_001386174.1); c.8026C>T, p.Pro2676Ser (NM_001386175.1); c.4412-4296C>T (NM_001386186.2, NM_001386148.2); c.4214-4296C>T (NM_001354269.3); c.4292-4296C>T (NM_001386187.2); c.4253-4296C>T (NM_001386147.1); and 35 more; short protein forms P1437S, P2637S, P2676S, P2684S, P2559S.
Identifiers: ClinVar variation 1761161 (VCV001761161.4), dbSNP rs866384643, ClinGen allele CA103815666.
Genomic context (GRCh38, chr4:113,356,527, plus strand): 5'-CAAGAAGAATCTTCTTCATCTTCTGACCCAGATGCTGACTGTTCAGTAGATGTGGATGAA[C>T]CAAAACATACAGGCAGTGGGGAGGATGAAAGTGGTGTCCCTGTGTTAGTAACTTCGGAGA-3'
Protein context (NP_001139.3, residues 2627-2647): DADCSVDVDE[Pro2637Ser]KHTGSGEDES